The following is an entry in ClinVar:

ClinVar aggregate classification (germline): Pathogenic/Likely pathogenic. Review status: criteria provided, multiple submitters, no conflicts (2 of 4 stars). 2 submissions from 2 submitters: Pathogenic (1); Likely pathogenic (1). Last evaluated 2021-04-23.

Conditions:
Mitochondrial oxidative phosphorylation disorder. Identifiers: Orphanet 223713, MedGen C5679825, MONDO:0016387.

Submissions (2):

Revvity Omics, Revvity
Classification: Likely pathogenic. Last evaluated: 2021-04-23. Review status: criteria provided, single submitter. Criteria: ACMG Guidelines, 2015. Collection method: clinical testing. Allele origin: germline.

Laboratory for Molecular Medicine, Mass General Brigham Personalized Medicine
Classification: Pathogenic for Mitochondrial oxidative phosphorylation disorder. Last evaluated: 2017-09-25. Review status: criteria provided, single submitter. Criteria: LMM Criteria. Collection method: clinical testing. Allele origin: germline. Inheritance: Autosomal recessive inheritance. Observed: 1 variant allele.
Comment: The p.Phe367SerfsX22 (NM_139242.3 c.1100_1101delTT) variant in MTFMT has been pr eviously reported in 1 compound heterozygous individual with combined oxidative phosphorylation deficiency and mitochondrial disorders (Taylor 2014). This vari ant has been identified in (2/126,516) of European chromosomes by the Genome Agg regation Database (gnomAD; dbSNP rs754222633). Although this variant has been seen in the general population, its frequency is low enough to be consistent with a recessive carrier frequency. This variant is predicted to cause a frameshift, which alters the protein?s amino acid sequence beginning at position 367 and leads to a premature termination codon 22 amino a cids downstream. This alteration is then predicted to lead to a truncated or abs ent protein. Biallelic loss of function of the MTFMT gene has been associated wi th combined oxidative phosphorylation deficiency and mitochondrial disorders. In summary, the p.Phe367SerfsX22 variant is pathogenic for combined oxidative phos phorylation deficiency in an autosomal recessive manner based on a predicted var iant effect, biallelic occurrence in an individual with this disease and very lo w population frequency.

Literature cited by the submitters: PubMed 25058219 (cited by Laboratory for Molecular Medicine, Mass General Brigham Personalized Medicine).

NM_139242.4(MTFMT):c.1100_1101del (p.Phe367fs)

Gene: MTFMT (mitochondrial methionyl-tRNA formyltransferase; minus strand). Cytogenetic location: 15q22.31.
Variant type: Deletion.
Coding change: c.1100_1101del on transcript NM_139242.4 (MANE Select); coding-DNA positions 1100 to 1101, 2 bases deleted (TT; older notation c.1100_1101delTT).
Protein change: p.Phe367fs; shifts the reading frame from phenylalanine 367.
Molecular consequence: frameshift variant.
Genome position (GRCh38, 1-based): chr15:65,003,131-65,003,132, AA deleted on the plus strand (TT on the coding strand, the reverse complement: MTFMT is on the minus strand); deleting any 2 consecutive bases within chr15:65,003,131-65,003,133 gives the same sequence; the c. name uses the placement nearest the transcript's 3' end. VCF-style (leftmost placement, unchanged base first): chr15-65003130-GAA-G. GRCh37 (hg19) VCF-style: chr15-65295468-GAA-G.
Other names: short protein forms F367fs.
Identifiers: ClinVar variation 506018 (VCV000506018.8), dbSNP rs754222633, ClinGen allele CA7613147.